The following is an entry in ClinVar:

NM_001040142.2(SCN2A):c.1147C>G (p.Gln383Glu)

Gene: SCN2A (sodium voltage-gated channel alpha subunit 2; plus strand). Cytogenetic location: 2q24.3.
Variant type: single nucleotide variant.
Coding change: c.1147C>G on transcript NM_001040142.2 (MANE Select); coding-DNA position 1147, C replaced by G.
Protein change: p.Gln383Glu; replaces glutamine 383 with glutamic acid.
Molecular consequence: missense variant.
Genome position (GRCh38, 1-based): chr2:165,313,732, C>G. VCF-style: chr2-165313732-C-G. GRCh37 (hg19) VCF-style: chr2-166170242-C-G.
Other names: p.Q383E:CAA>GAA; c.1147C>G, p.Gln383Glu (NM_001040143.2, NM_001371246.1, NM_001371247.1 and 1 more transcripts); short protein forms Q383E.
Identifiers: ClinVar variation 207050 (VCV000207050.10), dbSNP rs796053178, ClinGen allele CA318105.

ClinVar aggregate classification (germline): Pathogenic. Review status: criteria provided, multiple submitters, no conflicts (2 of 4 stars). 2 submissions from 2 submitters: Pathogenic (2). Last evaluated 2017-06-16.

Conditions:
Seizures, benign familial infantile, 3 (BFIS3). Also called: CONVULSIONS, BENIGN FAMILIAL INFANTILE, 3; Familial neonatal seizures. Identifiers: Orphanet 140927, Orphanet 306, MedGen C1843140, MONDO:0011904, OMIM 607745.
Developmental and epileptic encephalopathy, 11 (DEE11). Also called: Early infantile epileptic encephalopathy 11. Identifiers: Orphanet 1934, MedGen C3150987, MONDO:0013388, OMIM 613721.

Submissions (2):

Labcorp Genetics (formerly Invitae), Labcorp
Classification: Pathogenic for Seizures, benign familial infantile, 3; Developmental and epileptic encephalopathy, 11. Last evaluated: 2017-06-16. Review status: criteria provided, single submitter. Criteria: Invitae Variant Classification Sherloc (09022015). Collection method: clinical testing. Allele origin: germline.
Comment: For these reasons, this variant has been classified as Pathogenic. Algorithms developed to predict the effect of missense changes on protein structure and function do not agree on the potential impact of this missense change (SIFT: "Deleterious"; PolyPhen-2: "Probably Damaging"; Align-GVGD: "Class C0"). This variant has been reported in the literature in an individual with Ohtahara syndrome and a sibling affected with benign familial neonatal-infantile seizures inherited from an obligate carrier father affected with infantile epilepsy and intellectual disability (PMID: 27781028). In addition, family studies have indicated that this variant was not present in the parents of an individual with early-onset epilepsy, which suggests that it was de novo in that affected individual (Invitae). ClinVar contains an entry for this variant (Variation ID: 207050). This variant is not present in population databases (rs796053178, ExAC no frequency). This sequence change replaces glutamine with glutamic acid at codon 383 of the SCN2A protein (p.Gln383Glu). The glutamine residue is highly conserved and there is a small physicochemical difference between glutamine and glutamic acid.

GeneDx
Classification: Pathogenic. Last evaluated: 2013-03-14. Review status: criteria provided, single submitter. Criteria: GeneDx Variant Classification (06012015). Collection method: clinical testing. Allele origin: germline. Affected: yes.
Comment: p.Gln383Glu (CAA>GAA): c.1147 C>G in exon 9 of the SCN2A gene (NM_021007.2). The Gln383Glu missense change has not been published as a mutation, nor has it been reported as a benign polymorphism to our knowledge. It was not observed in approximately 6,500 individuals of European and African American ancestry in the NHLBI Exome Sequencing Project or among the various ethnic groups studied in the 1000 Genomes Project, indicating it is not a common benign variant in these populations. The amino acid substitution is non-conservative as an uncharged Glutamine residue is replaced by a negatively charged Glutamic acid residue. Gln383Glu alters a conserved position between the S5 and S6 segments of the first transmembrane domain of the protein and several in-silico algorithms predict it may be damaging to the structure/function of the protein. This variant has been observed de novo without verified parentage. The variant is found in EPILEPSY panel(s).

Literature cited by the submitters: PubMed 27781028 (cited by Labcorp Genetics (formerly Invitae), Labcorp).